The following is an entry in ClinVar:

NM_032634.4(PIGO):c.221T>C (p.Leu74Pro)

Gene: PIGO (phosphatidylinositol glycan anchor biosynthesis class O; minus strand). Cytogenetic location: 9p13.3.
Variant type: single nucleotide variant.
Coding change: c.221T>C on transcript NM_032634.4 (MANE Select); coding-DNA position 221, T replaced by C.
Protein change: p.Leu74Pro; replaces leucine 74 with proline.
Molecular consequence: missense variant.
Genome position (GRCh38, 1-based): chr9:35,095,345, A>G on the plus strand (T>C on the coding strand, the complement: PIGO is on the minus strand). VCF-style: chr9-35095345-A-G. GRCh37 (hg19) VCF-style: chr9-35095342-A-G.
Other names: c.221T>C, p.Leu74Pro (NM_001201484.2, NM_152850.4); short protein forms L74P.
Identifiers: ClinVar variation 1046487 (VCV001046487.9), dbSNP rs1829622098, ClinGen allele CA373324731.

ClinVar aggregate classification (germline): Uncertain significance (1 of 4 stars; one submission).

Conditions:
Hyperphosphatasia with impaired intellectual development syndrome 2. Also called: Hyperphosphatasia with intellectual disability syndrome 2; GLYCOSYLPHOSPHATIDYLINOSITOL BIOSYNTHESIS DEFECT 6. Identifiers: Orphanet 247262, MedGen C3553637, MONDO:0013882, OMIM 614749.

Submission:

Labcorp Genetics (formerly Invitae), Labcorp
Classification: Uncertain significance for Hyperphosphatasia with impaired intellectual development syndrome 2. Last evaluated: 2020-02-17. Review status: criteria provided, single submitter. Criteria: Invitae Variant Classification Sherloc (09022015). Collection method: clinical testing. Allele origin: germline.
Comment: This sequence change replaces leucine with proline at codon 74 of the PIGO protein (p.Leu74Pro). The leucine residue is moderately conserved and there is a moderate physicochemical difference between leucine and proline. This variant is not present in population databases (ExAC no frequency). This variant has not been reported in the literature in individuals with PIGO-related conditions. Algorithms developed to predict the effect of missense changes on protein structure and function (SIFT, PolyPhen-2, Align-GVGD) all suggest that this variant is likely to be disruptive, but these predictions have not been confirmed by published functional studies and their clinical significance is uncertain. In summary, the available evidence is currently insufficient to determine the role of this variant in disease. Therefore, it has been classified as a Variant of Uncertain Significance.